The following is an entry in ClinVar:

NM_001330700.2(TOP2B):c.4834_4836dup (p.Glu1612_Ser1613insGlu)

Gene: TOP2B (DNA topoisomerase II beta; minus strand). Cytogenetic location: 3p24.2.
Variant type: Duplication.
Coding change: c.4834_4836dup on transcript NM_001330700.2 (MANE Select); coding-DNA positions 4834 to 4836, 3 bases duplicated (GAG; older notation c.4834_4836dupGAG).
Protein change: p.Glu1612_Ser1613insGlu.
Molecular consequence: inframe insertion.
Genome position (GRCh38, 1-based): chr3:25,598,352-25,598,354, CTC duplicated on the plus strand (GAG on the coding strand, the reverse complement: TOP2B is on the minus strand). VCF-style (leftmost placement, unchanged base first): chr3-25598351-A-ACTC. GRCh37 (hg19) VCF-style: chr3-25639842-A-ACTC.
Other names: c.4819_4821dup, p.Glu1607_Ser1608insGlu (NM_001068.3).
Identifiers: ClinVar variation 2990639 (VCV002990639.3), dbSNP rs753007684, ClinGen allele CA2287959.

ClinVar aggregate classification (germline): Uncertain significance (1 of 4 stars; one submission).

Allele frequency attached by ClinVar (database versions not stated): TOPMed 0.00001; gnomAD 0.00001; ExAC 0.00003; gnomAD exomes 0.00001.

Submission:

Labcorp Genetics (formerly Invitae), Labcorp
Classification: Uncertain significance. Last evaluated: 2025-06-04. Review status: criteria provided, single submitter. Criteria: Invitae Variant Classification Sherloc (09022015). Collection method: clinical testing. Allele origin: germline.
Comment: This variant, c.4819_4821dup, results in the insertion of 1 amino acid(s) of the TOP2B protein (p.Glu1607dup), but otherwise preserves the integrity of the reading frame. This variant is present in population databases (rs753007684, gnomAD 0.01%). This variant has not been reported in the literature in individuals affected with TOP2B-related conditions. ClinVar contains an entry for this variant (Variation ID: 2990639). In summary, the available evidence is currently insufficient to determine the role of this variant in disease. Therefore, it has been classified as a Variant of Uncertain Significance.